The following is an entry in ClinVar:

NM_020911.2(PLXNA4):c.5590-4G>A

Gene: PLXNA4 (plexin A4; minus strand). Cytogenetic location: 7q32.3.
Variant type: single nucleotide variant.
Coding change: c.5590-4G>A on transcript NM_020911.2 (MANE Select); 4 bases into the intron before coding-DNA position 5590, G replaced by A.
Molecular consequence: intron variant.
Genome position (GRCh38, 1-based): chr7:132,130,578, C>T on the plus strand (G>A on the coding strand, the complement: PLXNA4 is on the minus strand). VCF-style: chr7-132130578-C-T. GRCh37 (hg19) VCF-style: chr7-131815337-C-T.
Other names: c.5590-4G>A (NM_001393897.1).
Identifiers: ClinVar variation 3054062 (VCV003054062.2), dbSNP rs193018515, ClinGen allele CA4488844.

ClinVar aggregate classification (germline): Likely benign (0 of 4 stars; one submission).

Conditions:
PLXNA4-related disorder. Also called: PLXNA4-related condition.

Allele frequency attached by ClinVar (database versions not stated): TOPMed 0.00009; gnomAD 0.00011; 1000 Genomes Project 30x 0.00016; ExAC 0.00016; 1000 Genomes Project 0.00020.
gnomAD v4.1: 133 of 1,614,000 alleles (0.0082%); highest among the groups gnomAD compares: African/African-American, 0.013%; no homozygotes.

Submission:

PreventionGenetics, part of Exact Sciences
Classification: Likely benign for PLXNA4-related condition. Last evaluated: 2022-04-20. Review status: no assertion criteria provided. Collection method: clinical testing. Allele origin: germline.
Comment: This variant is classified as likely benign based on ACMG/AMP sequence variant interpretation guidelines (Richards et al. 2015 PMID: 25741868, with internal and published modifications).